The following is an entry in ClinVar:

ClinVar aggregate classification (germline): Likely benign (1 of 4 stars; one submission).

Allele frequency attached by ClinVar (database versions not stated): gnomAD 0.00001; ExAC 0.00003; gnomAD exomes 0.00001 and 0.00002; TOPMed 0.00001.
gnomAD v4.1: 24 of 1,552,162 alleles (0.0015%); highest among the groups gnomAD compares: Middle Eastern, 0.051%; no homozygotes.

Submission:

GeneDx
Classification: Likely benign. Last evaluated: 2017-04-24. Review status: criteria provided, single submitter. Criteria: GeneDx Variant Classification (06012015). Collection method: clinical testing. Allele origin: germline. Affected: yes.
Comment: This variant is considered likely benign or benign based on one or more of the following criteria: it is a conservative change, it occurs at a poorly conserved position in the protein, it is predicted to be benign by multiple in silico algorithms, and/or has population frequency not consistent with disease.

NM_022114.4(PRDM16):c.-17T>C

Genes: PRDM16 (PR/SET domain 16; plus strand), PRDM16-DT (PRDM16 divergent transcript; minus strand). Cytogenetic location: 1p36.32.
Variant type: single nucleotide variant.
Coding change: c.-17T>C on transcript NM_022114.4 (MANE Select); 17 bases upstream of the start codon, T replaced by C.
Molecular consequence: 5 prime UTR variant.
Genome position (GRCh38, 1-based): chr1:3,069,243, T>C. VCF-style: chr1-3069243-T-C. GRCh37 (hg19) VCF-style: chr1-2985807-T-C.
Other names: c.-17T>C (NM_199454.3).
Identifiers: ClinVar variation 509097 (VCV000509097.1), dbSNP rs774793829, ClinGen allele CA543619.